The following is an entry in ClinVar:

ClinVar aggregate classification (germline): Uncertain significance (1 of 4 stars; one submission).

Conditions:
Early Myoclonic Encephalopathy. Identifiers: MedGen C0270855.

Allele frequency attached by ClinVar (database versions not stated): gnomAD exomes below 0.00001.
gnomAD v4.1: 1 of 1,613,614 alleles (0.000062%); highest among the groups gnomAD compares: Non-Finnish European, 0.000085%; no homozygotes.

Submission:

Labcorp Genetics (formerly Invitae), Labcorp
Classification: Uncertain significance for Early Myoclonic Encephalopathy. Last evaluated: 2023-08-30. Review status: criteria provided, single submitter. Criteria: Invitae Variant Classification Sherloc (09022015). Collection method: clinical testing. Allele origin: germline.
Comment: In summary, the available evidence is currently insufficient to determine the role of this variant in disease. Therefore, it has been classified as a Variant of Uncertain Significance. Advanced modeling of protein sequence and biophysical properties (such as structural, functional, and spatial information, amino acid conservation, physicochemical variation, residue mobility, and thermodynamic stability) performed at Invitae indicates that this missense variant is not expected to disrupt KCND2 protein function. This variant has not been reported in the literature in individuals affected with KCND2-related conditions. This variant is not present in population databases (gnomAD no frequency). This sequence change replaces serine, which is neutral and polar, with leucine, which is neutral and non-polar, at codon 391 of the KCND2 protein (p.Ser391Leu).

NM_012281.3(KCND2):c.1172C>T (p.Ser391Leu)

Gene: KCND2 (potassium voltage-gated channel subfamily D member 2; plus strand). Cytogenetic location: 7q31.31.
Variant type: single nucleotide variant.
Coding change: c.1172C>T on transcript NM_012281.3 (MANE Select); coding-DNA position 1172, C replaced by T.
Protein change: p.Ser391Leu; replaces serine 391 with leucine.
Molecular consequence: missense variant.
Genome position (GRCh38, 1-based): chr7:120,732,959, C>T. VCF-style: chr7-120732959-C-T. GRCh37 (hg19) VCF-style: chr7-120373013-C-T.
Other names: short protein forms S391L.
Identifiers: ClinVar variation 2864747 (VCV002864747.3), dbSNP rs866951211, ClinGen allele CA165828819.
Genomic context (GRCh38, chr7:120,732,959, plus strand): 5'-TCAGGTATGGTGACATGGTGCCAAAAACCATAGCAGGGAAGATTTTTGGTTCTATCTGTT[C>T]GCTGAGTGGGGTCTTGGTCATTGCTCTACCTGTTCCGGTGATTGTATCCAACTTCAGTCG-3'
Protein context (NP_036413.1, residues 381-401): IAGKIFGSIC[Ser391Leu]LSGVLVIALP